The following is an entry in ClinVar:

NM_002880.4(RAF1):c.1242G>C (p.Lys414Asn)

Gene: RAF1 (Raf-1 proto-oncogene, serine/threonine kinase; minus strand). Cytogenetic location: 3p25.2.
Variant type: single nucleotide variant.
Coding change: c.1242G>C on transcript NM_002880.4 (MANE Select); coding-DNA position 1242, G replaced by C.
Protein change: p.Lys414Asn; replaces lysine 414 with asparagine.
Molecular consequence: missense variant. On other transcripts: non-coding transcript variant (3).
Genome position (GRCh38, 1-based): chr3:12,590,926, C>G on the plus strand (G>C on the coding strand, the complement: RAF1 is on the minus strand). VCF-style: chr3-12590926-C-G. GRCh37 (hg19) VCF-style: chr3-12632425-C-G.
Other names: c.1302G>C, p.Lys434Asn (NM_001354689.3); c.1242G>C, p.Lys414Asn (NM_001354690.3); c.999G>C, p.Lys333Asn (NM_001354691.3, NM_001354692.3); c.1143G>C, p.Lys381Asn (NM_001354693.3); c.1059G>C, p.Lys353Asn (NM_001354694.3); c.900G>C, p.Lys300Asn (NM_001354695.3); short protein forms K353N, K381N, K414N, K300N, K333N, K434N.
Identifiers: ClinVar variation 2882477 (VCV002882477.3), dbSNP rs752865798, ClinGen allele CA351502404.

ClinVar aggregate classification (germline): Uncertain significance (1 of 4 stars; one submission).

Conditions:
RASopathy. Also called: rasopathies; Noonan spectrum disorder. Identifiers: Orphanet 536391, MedGen C5555857, MONDO:0021060.

Submission:

Labcorp Genetics (formerly Invitae), Labcorp
Classification: Uncertain significance for RASopathy. Last evaluated: 2025-05-25. Review status: criteria provided, single submitter. Criteria: Invitae Variant Classification Sherloc (09022015). Collection method: clinical testing. Allele origin: germline.
Comment: This sequence change replaces lysine, which is basic and polar, with asparagine, which is neutral and polar, at codon 414 of the RAF1 protein (p.Lys414Asn). This variant is not present in population databases (gnomAD no frequency). This variant has not been reported in the literature in individuals affected with RAF1-related conditions. ClinVar contains an entry for this variant (Variation ID: 2882477). Invitae Evidence Modeling of protein sequence and biophysical properties (such as structural, functional, and spatial information, amino acid conservation, physicochemical variation, residue mobility, and thermodynamic stability) indicates that this missense variant is expected to disrupt RAF1 protein function with a positive predictive value of 95%. In summary, the available evidence is currently insufficient to determine the role of this variant in disease. Therefore, it has been classified as a Variant of Uncertain Significance.